The following is an entry in ClinVar:

ClinVar aggregate classification (germline): Likely benign (1 of 4 stars; one submission).

Allele frequency attached by ClinVar (database versions not stated): ExAC 0.00001; gnomAD 0.00001; gnomAD exomes 0.00001; TOPMed 0.00002.
gnomAD v4.1: 17 of 1,609,122 alleles (0.0011%); highest among the groups gnomAD compares: African/African-American, 0.004%; no homozygotes.

Submission:

CeGaT Center for Human Genetics Tuebingen
Classification: Likely benign. Last evaluated: 2024-01-01. Review status: criteria provided, single submitter. Criteria: CeGaT Center For Human Genetics Tuebingen Variant Classification Criteria Version 2. Collection method: clinical testing. Allele origin: germline. Affected: yes. Observed: 1 variant allele.
Comment: CHL1: BP4, BP7

NM_006614.4(CHL1):c.1851C>T (p.Ala617=)

Genes: CHL1 (cell adhesion molecule L1 like; plus strand), CHL1-AS1 (CHL1 antisense RNA 1; minus strand). Cytogenetic location: 3p26.3.
Variant type: single nucleotide variant.
Coding change: c.1851C>T on transcript NM_006614.4 (MANE Select); coding-DNA position 1851, C replaced by T.
Protein change: p.Ala617=; no amino-acid change (alanine 617 retained).
Molecular consequence: synonymous variant.
Genome position (GRCh38, 1-based): chr3:377,917, C>T. VCF-style: chr3-377917-C-T. GRCh37 (hg19) VCF-style: chr3-419600-C-T.
Other names: c.1803C>T, p.Ala601= (NM_001253387.2); c.1851C>T, p.Ala617= (NM_001253388.1).
Identifiers: ClinVar variation 3025738 (VCV003025738.22), dbSNP rs745914214, ClinGen allele CA2224906.